The following is an entry in ClinVar:

ClinVar aggregate classification (germline): Uncertain significance. Review status: criteria provided, single submitter (1 of 4 stars). 2 submissions from 2 submitters: Uncertain significance (1). 1 of the submissions does not count toward it. Last evaluated 2023-07-19.

Conditions:
EP300-related disorder. Also called: EP300-related condition; EP300-related disorders.
Rubinstein-Taybi syndrome due to EP300 haploinsufficiency. Also called: EP300-Related Rubinstein-Taybi Syndrome; RUBINSTEIN-TAYBI SYNDROME 2. Identifiers: Orphanet 353284, Orphanet 783, MedGen C3150941, MONDO:0013364, OMIM 613684.

Allele frequency attached by ClinVar (database versions not stated): gnomAD exomes below 0.00001.

Submissions (2):

Labcorp Genetics (formerly Invitae), Labcorp
Classification: Uncertain significance for Rubinstein-Taybi syndrome due to EP300 haploinsufficiency. Last evaluated: 2023-07-19. Review status: criteria provided, single submitter. Criteria: Invitae Variant Classification Sherloc (09022015). Collection method: clinical testing. Allele origin: germline.
Comment: In summary, the available evidence is currently insufficient to determine the role of this variant in disease. Therefore, it has been classified as a Variant of Uncertain Significance. Advanced modeling of protein sequence and biophysical properties (such as structural, functional, and spatial information, amino acid conservation, physicochemical variation, residue mobility, and thermodynamic stability) performed at Invitae indicates that this missense variant is not expected to disrupt EP300 protein function. This variant has not been reported in the literature in individuals affected with EP300-related conditions. This variant is not present in population databases (gnomAD no frequency). This sequence change replaces proline, which is neutral and non-polar, with serine, which is neutral and polar, at codon 241 of the EP300 protein (p.Pro241Ser).

PreventionGenetics, part of Exact Sciences
Classification: Uncertain significance for EP300-related condition. Last evaluated: 2024-08-14. Review status: no assertion criteria provided. Collection method: clinical testing. Allele origin: germline. Not counted in ClinVar's aggregate classification.
Comment: The EP300 c.721C>T variant is predicted to result in the amino acid substitution p.Pro241Ser. To our knowledge, this variant has not been reported in the literature or in a large population database, indicating this variant is rare. At this time, the clinical significance of this variant is uncertain due to the absence of conclusive functional and genetic evidence.

NM_001429.4(EP300):c.721C>T (p.Pro241Ser)

Gene: EP300 (EP300 lysine acetyltransferase; plus strand). Cytogenetic location: 22q13.2.
Variant type: single nucleotide variant.
Coding change: c.721C>T on transcript NM_001429.4 (MANE Select); coding-DNA position 721, C replaced by T.
Protein change: p.Pro241Ser; replaces proline 241 with serine.
Molecular consequence: missense variant.
Genome position (GRCh38, 1-based): chr22:41,117,813, C>T. VCF-style: chr22-41117813-C-T. GRCh37 (hg19) VCF-style: chr22-41513817-C-T.
Other names: c.721C>T, p.Pro241Ser (NM_001362843.2); short protein forms P241S.
Identifiers: ClinVar variation 2634564 (VCV002634564.6), dbSNP rs2058830075, ClinGen allele CA411681710.